The following is an entry in ClinVar:

NM_000492.4(CFTR):c.577G>A (p.Glu193Lys)

Gene: CFTR (CF transmembrane conductance regulator; plus strand). Cytogenetic location: 7q31.2.
Variant type: single nucleotide variant.
Coding change: c.577G>A on transcript NM_000492.4 (MANE Select); coding-DNA position 577, G replaced by A.
Protein change: p.Glu193Lys; replaces glutamic acid 193 with lysine.
Molecular consequence: missense variant.
Genome position (GRCh38, 1-based): chr7:117,534,363, G>A. VCF-style: chr7-117534363-G-A. GRCh37 (hg19) VCF-style: chr7-117174417-G-A.
Other names: short protein forms E193K.
Identifiers: ClinVar variation 54006 (VCV000054006.17), dbSNP rs397508759, ClinGen allele CA327578.

ClinVar aggregate classification (germline): Pathogenic; drug response. Review status: reviewed by expert panel (3 of 4 stars). 8 submissions from 8 submitters: Pathogenic (1). 6 of the submissions do not count toward it. Last evaluated 2021-03-24.

Conditions:
CFTR-related disorder (CFTR-RD). Also called: CFTR-related disorders; CFTR-related condition. Identifiers: MedGen C5924204, MONDO:7770004.
Bronchiectasis with or without elevated sweat chloride 1 (BESC1). Also called: Cystic Fibrosis-Like Syndrome. Identifiers: Orphanet 60033, MedGen C2749757, MONDO:0008887, OMIM 211400.
Hereditary pancreatitis (PCTT). Also called: PRSS1-Related Hereditary Pancreatitis; Hereditary chronic pancreatitis. Identifiers: Orphanet 676, MedGen C0238339, MONDO:0008185, OMIM 167800.
Cystic fibrosis (CF). Also called: MUCOVISCIDOSIS. Identifiers: Orphanet 586, MedGen C0010674, MONDO:0009061, OMIM 219700. Disease mechanism: loss of function.
Congenital bilateral aplasia of vas deferens from CFTR mutation (CBAVD). Identifiers: Orphanet 48, MedGen C0403814, MONDO:0010178, OMIM 277180. Disease mechanism: loss of function.
ivacaftor response - Efficacy. Identifiers: MedGen CN322735.

Allele frequency attached by ClinVar (database versions not stated): gnomAD exomes below 0.00001.

Submissions (8):

ClinPGx
Classification: drug response for ivacaftor response - Efficacy. Last evaluated: 2021-03-24. Review status: reviewed by expert panel. Criteria: Pharmacogenomics knowledge for personalized medicine. Collection method: curation. Allele origin: germline. Affected: yes.
Comment: PharmGKB Level of Evidence 1A: Level 1A clinical annotations describe variant-drug combinations that have variant-specific prescribing guidance available in a current clinical guideline annotation or an FDA-approved drug label annotation. Annotations of drug labels or clinical guidelines must give prescribing guidance for specific variants (e.g. CYP2C9*3, HLA-B*57:01) or provide mapping from defined allele functions to diplotypes and phenotypes to be used as supporting evidence for a level 1A clinical annotation. Level 1A clinical annotations must also be supported by at least one publication in addition to a clinical guideline or drug label with variant-specific prescribing guidance.

Drug is not necessarily used to treat response condition

CFTR2
Classification: Pathogenic for Cystic fibrosis. Last evaluated: 2020-07-31. Review status: reviewed by expert panel. Criteria: Submitter's publication and website. Collection method: research. Allele origin: germline. Affected: yes.

Fulgent Genetics
Classification: Likely pathogenic for Hereditary pancreatitis; Bronchiectasis with or without elevated sweat chloride 1; Cystic fibrosis; Congenital bilateral aplasia of vas deferens from CFTR mutation. Last evaluated: 2024-06-12. Review status: criteria provided, single submitter. Criteria: ACMG Guidelines, 2015. Collection method: clinical testing. Allele origin: germline. Not counted in ClinVar's aggregate classification.

Natera, Inc.
Classification: Likely pathogenic for CFTR-related disorders. Last evaluated: 2024-05-14. Review status: criteria provided, single submitter. Criteria: Natera Variant Classification Schema (03/2026). Collection method: clinical testing. Allele origin: germline. Not counted in ClinVar's aggregate classification.
Comment: The c.577G>A variant in CFTR is a missense variant predicted to cause substitution of glutamic acid to lysine at amino acid 193. This variant is rare in the general population with a frequency below the threshold expected for the associated phenotype(s). This variant has been observed in one or more individuals affected with the associated recessive disease, as either homozygous or compound heterozygous with a second variant (PMID: 7544319, 30134826). Computational prediction algorithms indicate this variant is likely to affect gene or protein function. Given the available evidence, this variant is classified as Likely Pathogenic.

Women's Health and Genetics/Laboratory Corporation of America, LabCorp
Classification: Pathogenic for Cystic fibrosis. Last evaluated: 2023-12-27. Review status: criteria provided, single submitter. Criteria: LabCorp Variant Classification Summary - May 2015. Collection method: clinical testing. Allele origin: germline. Not counted in ClinVar's aggregate classification.
Comment: Variant summary: CFTR c.577G>A (p.Glu193Lys) is located near a canonical splice site and results in a conservative amino acid change located in the ABC transporter type 1, transmembrane domain of the encoded protein sequence. Three of five in-silico tools predict a damaging effect of the variant on protein function. Consensus agreement among computational tools predict no significant impact on normal splicing. However, these predictions have yet to be confirmed by functional studies. The variant allele was found at a frequency of 4e-06 in 250106 control chromosomes (gnomAD). c.577G>A has been reported in the literature in the compound heterozygous state in individuals affected with Cystic Fibrosis, including at least one case where it was found in trans with the pathogenic variant F508del, and in at least one individual with CBAVD (e.g. Brancolini_1995, Mercier_1995, Sofia_2018). These data indicate that the variant is likely to be associated with disease. At least one publication reports experimental evidence evaluating an impact on protein function (e.g. Seibert_1997, Van Goor_2013). The variant results in approximately 30% of normal chloride transport activity and has a significantly reduced open probability and increased closed time compared to WT CFTR. The following publications have been ascertained in the context of this evaluation (PMID: 7544319, 7529962, 9305991, 30134826, 23891399). Four submitters, including the expert panel CFTR2, have cited clinical-significance assessments for this variant to ClinVar after 2014. All submitters classified the variant as pathogenic/likely pathogenic. Based on the evidence outlined above, the variant was classified as pathogenic.

Labcorp Genetics (formerly Invitae), Labcorp
Classification: Likely pathogenic for Cystic fibrosis. Last evaluated: 2019-07-10. Review status: criteria provided, single submitter. Criteria: Invitae Variant Classification Sherloc (09022015). Collection method: clinical testing. Allele origin: germline. Not counted in ClinVar's aggregate classification.
Comment: This variant has been observed in several individuals affected with cystic fibrosis or congenital bilateral absence of the vas deferrens (PMID: 7544319, 7529962). ClinVar contains an entry for this variant (Variation ID: 54006). This variant has been reported to affect CFTR protein function (PMID: 9305991, 23891399, 19491324). In summary, the currently available evidence indicates that the variant is pathogenic, but additional data are needed to prove that conclusively. Therefore, this variant has been classified as Likely Pathogenic. This variant is not present in population databases (ExAC no frequency). This sequence change replaces glutamic acid with lysine at codon 193 of the CFTR protein (p.Glu193Lys). The glutamic acid residue is moderately conserved and there is a small physicochemical difference between glutamic acid and lysine.

Mendelics
Classification: Pathogenic for Cystic fibrosis. Last evaluated: 2018-11-05. Review status: criteria provided, single submitter. Criteria: Mendelics Assertion Criteria 2017. Collection method: clinical testing. Allele origin: unknown. Affected: yes. Not counted in ClinVar's aggregate classification.

ClinVar Staff, National Center for Biotechnology Information (NCBI)
No classification provided. Condition: CFTR-related disorders. Review status: no classification provided. Collection method: literature only. Allele origin: germline. Affected: yes. Not counted in ClinVar's aggregate classification.

Literature cited by the submitters: PubMed 23891399 (cited by 3 submitters); PubMed 7544319 (cited by 3 submitters); PubMed 30134826 (cited by Natera, Inc. and Women's Health and Genetics/Laboratory Corporation of America, LabCorp); PubMed 7529962 (cited by 3 submitters); PubMed 9305991 (cited by Women's Health and Genetics/Laboratory Corporation of America, LabCorp and Labcorp Genetics (formerly Invitae), Labcorp); PubMed 19491324 (cited by Labcorp Genetics (formerly Invitae), Labcorp).